The following is an entry in ClinVar:

ClinVar aggregate classification (germline): Uncertain significance (1 of 4 stars; one submission).

Conditions:
Menkes kinky-hair syndrome (MNK). Also called: Classic Menkes Disease; Menkes Disease; Copper transport disease. Identifiers: Orphanet 565, MedGen C0022716, MONDO:0010651, OMIM 309400.
X-linked distal spinal muscular atrophy type 3. Also called: ATP7A-Related Distal Motor Neuropathy; SPINAL MUSCULAR ATROPHY, DISTAL, X-LINKED RECESSIVE; NEURONOPATHY, DISTAL HEREDITARY MOTOR, X-LINKED; NEUROPATHY, DISTAL HEREDITARY MOTOR, X-LINKED. Identifiers: Orphanet 139557, MedGen C1845359, MONDO:0010338, OMIM 300489.
Cutis laxa, X-linked (OHS). Also called: EDS IX; Occipital horn syndrome. Identifiers: Orphanet 198, MedGen C0268353, MONDO:0010572, OMIM 304150.

Submission:

Juno Genomics, Hangzhou Juno Genomics, Inc
Classification: Uncertain significance for X-linked distal spinal muscular atrophy type 3; Menkes kinky-hair syndrome; Cutis laxa, X-linked. Review status: criteria provided, single submitter. Criteria: ACMG Guidelines, 2015. Collection method: clinical testing. Allele origin: germline.
Comment: Absent from controls (or at extremely low frequency if recessive) in Genome Aggregation Database.;Multiple lines of computational evidence support a deleterious effect on the gene or gene product.

NM_000052.7(ATP7A):c.2836G>T (p.Val946Phe)

Gene: ATP7A (ATPase copper transporting alpha; plus strand). Cytogenetic location: Xq21.1.
Variant type: single nucleotide variant.
Coding change: c.2836G>T on transcript NM_000052.7 (MANE Select); coding-DNA position 2836, G replaced by T.
Protein change: p.Val946Phe; replaces valine 946 with phenylalanine.
Molecular consequence: missense variant.
Genome position (GRCh38, 1-based): chrX:78,020,999, G>T. VCF-style: chrX-78020999-G-T. GRCh37 (hg19) VCF-style: chrX-77276496-G-T.
Other names: c.2602G>T, p.Val868Phe (NM_001282224.2); short protein forms V868F, V946F.
Identifiers: ClinVar variation 5018690 (VCV005018690.2).